The following is an entry in ClinVar:

ClinVar aggregate classification (germline): Uncertain significance. Review status: criteria provided, multiple submitters, no conflicts (2 of 4 stars). 2 submissions from 2 submitters: Uncertain significance (2). Last evaluated 2026-02-18.

Allele frequency attached by ClinVar (database versions not stated): ESP Exome Variant Server 0.00008; gnomAD exomes 0.00012; TOPMed 0.00003; ExAC 0.00004; gnomAD 0.00003.
gnomAD v4.1: 183 of 1,613,940 alleles (0.011%); highest among the groups gnomAD compares: Non-Finnish European, 0.015%; no homozygotes.

Submissions (2):

Dasa
Classification: Uncertain significance. Last evaluated: 2026-02-18. Review status: criteria provided, single submitter. Criteria: DASA Assertion Criteria. Collection method: clinical testing. Allele origin: germline.
Comment: NM_002108.4(HAL):c.1373T>C (p.Ile458Thr) is a missense variant that results in the substitution of isoleucine with threonine. This variant is rare in population databases. Computational prediction algorithms are consistent with a deleterious effect. The currently available literature and clinical evidence are not sufficient to establish a definitive association between this variant and the reported condition. Therefore, this variant is classified as a variant of uncertain significance.

Ambry Genetics
Classification: Uncertain significance. Last evaluated: 2021-08-09. Review status: criteria provided, single submitter. Criteria: Ambry Variant Classification Scheme 2023. Collection method: clinical testing. Allele origin: germline.

NM_002108.4(HAL):c.1373T>C (p.Ile458Thr)

Gene: HAL (histidine ammonia-lyase; minus strand). Cytogenetic location: 12q23.1.
Variant type: single nucleotide variant.
Coding change: c.1373T>C on transcript NM_002108.4 (MANE Select); coding-DNA position 1373, T replaced by C.
Protein change: p.Ile458Thr; replaces isoleucine 458 with threonine.
Molecular consequence: missense variant.
Genome position (GRCh38, 1-based): chr12:95,980,702, A>G on the plus strand (T>C on the coding strand, the complement: HAL is on the minus strand). VCF-style: chr12-95980702-A-G. GRCh37 (hg19) VCF-style: chr12-96374480-A-G.
Other names: c.749T>C, p.Ile250Thr (NM_001258333.2); c.1373T>C, p.Ile458Thr (NM_001258334.2); short protein forms I250T, I458T.
Identifiers: ClinVar variation 2384474 (VCV002384474.4), dbSNP rs377299266, ClinGen allele CA6727593.